The following is an entry in ClinVar:

NM_000321.3(RB1):c.1391A>C (p.Glu464Ala)

Gene: RB1 (RB transcriptional corepressor 1; plus strand). Cytogenetic location: 13q14.2.
Variant type: single nucleotide variant.
Coding change: c.1391A>C on transcript NM_000321.3 (MANE Select); coding-DNA position 1391, A replaced by C.
Protein change: p.Glu464Ala; replaces glutamic acid 464 with alanine.
Molecular consequence: missense variant.
Genome position (GRCh38, 1-based): chr13:48,380,054, A>C. VCF-style: chr13-48380054-A-C. GRCh37 (hg19) VCF-style: chr13-48954190-A-C.
Other names: c.1391A>C, p.Glu464Ala (NM_001407165.1, NM_001407166.1); short protein forms E464A.
Identifiers: ClinVar variation 2843570 (VCV002843570.3), dbSNP rs2542204090, ClinGen allele CA388162670.

ClinVar aggregate classification (germline): Uncertain significance (1 of 4 stars; one submission).

Conditions:
Retinoblastoma (RB1). Also called: RETINOBLASTOMA, SOMATIC. Identifiers: Orphanet 790, MedGen C0035335, MeSH D012175, MONDO:0008380, OMIM 180200, HP:0009919. Disease mechanism: loss of function. Inheritance: Both sporadic and heritable forms are tested..

Submission:

Labcorp Genetics (formerly Invitae), Labcorp
Classification: Uncertain significance for Retinoblastoma. Last evaluated: 2023-03-07. Review status: criteria provided, single submitter. Criteria: Invitae Variant Classification Sherloc (09022015). Collection method: clinical testing. Allele origin: germline.
Comment: This sequence change replaces glutamic acid, which is acidic and polar, with alanine, which is neutral and non-polar, at codon 464 of the RB1 protein (p.Glu464Ala). This variant is not present in population databases (gnomAD no frequency). This variant has not been reported in the literature in individuals affected with RB1-related conditions. An algorithm developed to predict the effect of missense changes on protein structure and function (PolyPhen-2) suggests that this variant is likely to be disruptive. In summary, the available evidence is currently insufficient to determine the role of this variant in disease. Therefore, it has been classified as a Variant of Uncertain Significance.